The following is an entry in ClinVar:

NM_000261.2(MYOC):c.1364C>A (p.Thr455Lys)

Gene: MYOC (myocilin; minus strand). Cytogenetic location: 1q24.3.
Variant type: single nucleotide variant.
Coding change: c.1364C>A on transcript NM_000261.2 (MANE Select); coding-DNA position 1364, C replaced by A.
Protein change: p.Thr455Lys; replaces threonine 455 with lysine.
Molecular consequence: missense variant.
Genome position (GRCh38, 1-based): chr1:171,636,076, G>T on the plus strand (C>A on the coding strand, the complement: MYOC is on the minus strand). VCF-style: chr1-171636076-G-T. GRCh37 (hg19) VCF-style: chr1-171605216-G-T.
Other names: NM_000261.2:c.1364C>A; short protein forms T455K.
Identifiers: ClinVar variation 2575101 (VCV002575101.2), dbSNP rs2527838259, ClinGen allele CA343723562.
Genomic context (GRCh38, chr1:171,636,076, plus strand): 5'-CTGCTGTACTTATAGCGGTTCTTGAATGGGATGGTCAGGGTCTTGCTGATACCTGTGCCT[G>T]TGTCATAAGCAAAGTTGACGGTAGCATCTGCTGAGGTGTAGCTGCTGACGGTGTACAAGG-3'
Protein context (NP_000252.1, residues 445-465): ADATVNFAYD[Thr455Lys]GTGISKTLTI

ClinVar aggregate classification (germline): Likely pathogenic (3 of 4 stars; one submission).

Conditions:
Open-angle glaucoma. Identifiers: MedGen C0017612, MONDO:0005338, HP:0012108.

Submission:

ClinGen Glaucoma Variant Curation Expert Panel
Classification: Likely pathogenic for Open-angle glaucoma. Last evaluated: 2026-02-18. Review status: reviewed by expert panel. Criteria: ClinGen Glaucoma ACMG Specifications V2.0.0 Approved. Collection method: curation. Allele origin: germline. Inheritance: Autosomal dominant inheritance.
Comment: The c.1364C>A variant in MYOC is a missense variant predicted to cause substitution of Threonine by Lysine at amino acid 455 (p.Thr455Lys). This variant was not found in any genetic ancestry group of gnomAD (v4.1.0), meeting the ≤ 0.0001 threshold set for PM2_Supporting in a genetic ancestry group of at least 10,000 alleles. The REVEL score = 0.938, which met the ≥ 0.932 threshold for PP3_Strong, predicting a damaging effect on MYOC function. The assays in this study (PMID: 40081751), measuring solubility and secretion of the Thr455Lys protein, did not meet the OddsPath threshold for PS3_Supporting (> 2.1). 10 segregations in 1 family, with juvenile or primary open angle glaucoma (JOAG or POAG), have been reported (PMID: 18067072), which fulfilled PP1_Moderate (≥5 meioses in ≥1 family, but not the ≥7 meioses in >1 family for the strong criterion). Only 1 proband with JOAG had been reported (PMID: 18067072), not meeting the ≥ 2 probands threshold required to meet PS4_Supporting. In summary, this variant met the criteria to receive a score of 7 and to be classified as likely pathogenic (likely pathogenic classification range 6 to 9, adapted from PMID: 32720330) for juvenile open angle glaucoma based on the ACMG/AMP criteria met, as specified by the ClinGen Glaucoma VCEP (v2.0.0, 5 Dec 2024): PP3_Strong, PP1_Moderate, PM2_Supporting